The following is an entry in ClinVar:

NM_015164.4(PLEKHM2):c.2677C>A (p.Leu893Ile)

Gene: PLEKHM2 (pleckstrin homology and RUN domain containing M2; plus strand). Cytogenetic location: 1p36.21.
Variant type: single nucleotide variant.
Coding change: c.2677C>A on transcript NM_015164.4 (MANE Select); coding-DNA position 2677, C replaced by A.
Protein change: p.Leu893Ile; replaces leucine 893 with isoleucine.
Molecular consequence: missense variant.
Genome position (GRCh38, 1-based): chr1:15,732,401, C>A. VCF-style: chr1-15732401-C-A. GRCh37 (hg19) VCF-style: chr1-16058896-C-A.
Other names: short protein forms L893I.
Identifiers: ClinVar variation 650620 (VCV000650620.8), dbSNP rs1249701724, ClinGen allele CA338574506.

ClinVar aggregate classification (germline): Uncertain significance (1 of 4 stars; one submission).

Allele frequency attached by ClinVar (database versions not stated): TOPMed below 0.00001.

Submission:

Labcorp Genetics (formerly Invitae), Labcorp
Classification: Uncertain significance. Last evaluated: 2018-11-20. Review status: criteria provided, single submitter. Criteria: Invitae Variant Classification Sherloc (09022015). Collection method: clinical testing. Allele origin: germline.
Comment: In summary, the available evidence is currently insufficient to determine the role of this variant in disease. Therefore, it has been classified as a Variant of Uncertain Significance. Algorithms developed to predict the effect of missense changes on protein structure and function output the following: SIFT: "Tolerated"; PolyPhen-2: "Benign"; Align-GVGD: "Class C0". The isoleucine amino acid residue is found in multiple mammalian species, suggesting that this missense change does not adversely affect protein function. These predictions have not been confirmed by published functional studies and their clinical significance is uncertain. This variant has not been reported in the literature in individuals with PLEKHM2-related disease. This variant is not present in population databases (ExAC no frequency). This sequence change replaces leucine with isoleucine at codon 893 of the PLEKHM2 protein (p.Leu893Ile). The leucine residue is weakly conserved and there is a small physicochemical difference between leucine and isoleucine.